The following is an entry in ClinVar:

ClinVar aggregate classification (germline): Likely benign. Review status: criteria provided, multiple submitters, no conflicts (2 of 4 stars). 3 submissions from 3 submitters: Likely benign (2). 1 of the submissions does not count toward it. Last evaluated 2024-11-24.

Conditions:
Inborn genetic diseases. Identifiers: MedGen C0950123, MeSH D030342.
Tatton-Brown-Rahman overgrowth syndrome. Also called: Tall stature-intellectual disability-facial dysmorphism syndrome; Tatton-Brown-Rahman syndrome. Identifiers: Orphanet 404443, MedGen C4014545, MONDO:0014382, OMIM 615879.
DNMT3A-related disorder. Also called: DNMT3A-related condition; DNMT3A-related disorders.

Allele frequency attached by ClinVar (database versions not stated): gnomAD exomes below 0.00001.
gnomAD v4.1: 4 of 1,552,508 alleles (0.00026%); highest among the groups gnomAD compares: East Asian, 0.0024%; no homozygotes.

Submissions (3):

Ambry Genetics
Classification: Likely benign for Inborn genetic diseases. Last evaluated: 2024-11-24. Review status: criteria provided, single submitter. Criteria: Ambry Variant Classification Scheme 2023. Collection method: clinical testing. Allele origin: germline.

Labcorp Genetics (formerly Invitae), Labcorp
Classification: Likely benign for Tatton-Brown-Rahman overgrowth syndrome. Last evaluated: 2024-10-31. Review status: criteria provided, single submitter. Criteria: Invitae Variant Classification Sherloc (09022015). Collection method: clinical testing. Allele origin: germline.

PreventionGenetics, part of Exact Sciences
Classification: Likely benign for DNMT3A-related condition. Last evaluated: 2021-10-24. Review status: no assertion criteria provided. Collection method: clinical testing. Allele origin: germline. Not counted in ClinVar's aggregate classification.
Comment: This variant is classified as likely benign based on ACMG/AMP sequence variant interpretation guidelines (Richards et al. 2015 PMID: 25741868, with internal and published modifications).

NM_022552.5(DNMT3A):c.1899C>T (p.Pro633=)

Gene: DNMT3A (DNA methyltransferase 3 alpha; minus strand). Cytogenetic location: 2p23.3.
Variant type: single nucleotide variant.
Coding change: c.1899C>T on transcript NM_022552.5 (MANE Select); coding-DNA position 1899, C replaced by T.
Protein change: p.Pro633=; no amino-acid change (proline 633 retained).
Molecular consequence: synonymous variant. On other transcripts: non-coding transcript variant (1).
Genome position (GRCh38, 1-based): chr2:25,243,935, G>A on the plus strand (C>T on the coding strand, the complement: DNMT3A is on the minus strand). VCF-style: chr2-25243935-G-A. GRCh37 (hg19) VCF-style: chr2-25466804-G-A.
Other names: c.1899C>T (NM_022552.3); c.1443C>T, p.Pro481= (NM_001320893.1); c.1230C>T, p.Pro410= (NM_001375819.1); c.1332C>T, p.Pro444= (NM_153759.3); c.1899C>T, p.Pro633= (NM_175629.2).
Identifiers: ClinVar variation 2418295 (VCV002418295.10), dbSNP rs1279817163, ClinGen allele CA425182121.